The following is an entry in ClinVar:

ClinVar aggregate classification (germline): Uncertain significance (1 of 4 stars; one submission).

gnomAD v4.1: 3 of 1,613,938 alleles (0.00019%); highest among the groups gnomAD compares: South Asian, 0.0033%; no homozygotes.

Submission:

GeneDx
Classification: Uncertain significance. Last evaluated: 2024-07-11. Review status: criteria provided, single submitter. Criteria: GeneDx Variant Classification Process June 2021. Collection method: clinical testing. Allele origin: germline. Affected: yes.
Comment: Not observed at significant frequency in large population cohorts (gnomAD); In silico analysis supports that this missense variant has a deleterious effect on protein structure/function; Has not been previously published as pathogenic or benign to our knowledge; Reported using an alternate transcript of the gene

NM_007078.3(LDB3):c.2030A>C (p.Glu677Ala)

Gene: LDB3 (LIM domain binding 3; plus strand). Cytogenetic location: 10q23.2.
Variant type: single nucleotide variant.
Coding change: c.2030A>C on transcript NM_007078.3 (MANE Select); coding-DNA position 2030, A replaced by C.
Protein change: p.Glu677Ala; replaces glutamic acid 677 with alanine.
Molecular consequence: missense variant.
Genome position (GRCh38, 1-based): chr10:86,726,188, A>C. VCF-style: chr10-86726188-A-C. GRCh37 (hg19) VCF-style: chr10-88485945-A-C.
Other names: c.1700A>C, p.Glu567Ala (NM_001080114.2); c.2045A>C, p.Glu682Ala (NM_001171610.2); c.1841A>C, p.Glu614Ala (NM_001368064.1, NM_001368065.1); c.1889A>C, p.Glu630Ala (NM_001368066.1); short protein forms E677A, E682A, E567A, E614A, E630A.
Identifiers: ClinVar variation 3572706 (VCV003572706.1).